The following is an entry in ClinVar:

NM_004655.4(AXIN2):c.475G>A (p.Asp159Asn)

Gene: AXIN2 (axin 2; minus strand). Cytogenetic location: 17q24.1.
Variant type: single nucleotide variant.
Coding change: c.475G>A on transcript NM_004655.4 (MANE Select); coding-DNA position 475, G replaced by A.
Protein change: p.Asp159Asn; replaces aspartic acid 159 with asparagine.
Molecular consequence: missense variant.
Genome position (GRCh38, 1-based): chr17:65,558,146, C>T on the plus strand (G>A on the coding strand, the complement: AXIN2 is on the minus strand). VCF-style: chr17-65558146-C-T. GRCh37 (hg19) VCF-style: chr17-63554264-C-T.
Other names: c.475G>A, p.Asp159Asn (NM_001363813.1); short protein forms D159N.
Identifiers: ClinVar variation 3814069 (VCV003814069.2).
Genomic context (GRCh38, chr17:65,558,146, plus strand): 5'-GGATCTCGGTCTGCGCCTGGTCAAACATGATGGAATCAATCTGCTGCTTCTTGATGCCAT[C>T]TCTTATGTAGGTCTTGGTGGCAGGCTTCAGCTGCTTGGAGACAATGCTGTTGTTCTCAAT-3'
Protein context (NP_004646.3, residues 149-169): LKPATKTYIR[Asp159Asn]GIKKQQIDSI

ClinVar aggregate classification (germline): Conflicting classifications of pathogenicity. Review status: criteria provided, conflicting classifications (1 of 4 stars). 2 submissions from 2 submitters: Uncertain significance (1); Likely benign (1). Last evaluated 2025-08-13.

Conditions:
Hereditary cancer-predisposing syndrome. Also called: Hereditary neoplastic syndrome; Neoplastic Syndromes, Hereditary; Tumor predisposition; Hereditary Cancer Syndrome. Identifiers: Orphanet 140162, MedGen C0027672, MeSH D009386, MONDO:0015356.
Oligodontia-cancer predisposition syndrome. Also called: TOOTH AGENESIS-COLORECTAL CANCER SYNDROME. Identifiers: Orphanet 300576, MedGen C1837750, MONDO:0012075, OMIM 608615. Disease mechanism: loss of function.

Submissions (2):

Labcorp Genetics (formerly Invitae), Labcorp
Classification: Uncertain significance for Oligodontia-cancer predisposition syndrome. Last evaluated: 2025-08-13. Review status: criteria provided, single submitter. Criteria: Invitae Variant Classification Sherloc (09022015). Collection method: clinical testing. Allele origin: germline.
Comment: This sequence change replaces aspartic acid, which is acidic and polar, with asparagine, which is neutral and polar, at codon 159 of the AXIN2 protein (p.Asp159Asn). This variant is not present in population databases (gnomAD no frequency). This variant has not been reported in the literature in individuals affected with AXIN2-related conditions. ClinVar contains an entry for this variant (Variation ID: 3814069). Invitae Evidence Modeling of protein sequence and biophysical properties (such as structural, functional, and spatial information, amino acid conservation, physicochemical variation, residue mobility, and thermodynamic stability) indicates that this missense variant is expected to disrupt AXIN2 protein function with a positive predictive value of 80%. In summary, the available evidence is currently insufficient to determine the role of this variant in disease. Therefore, it has been classified as a Variant of Uncertain Significance.

Ambry Genetics
Classification: Likely benign for Hereditary cancer-predisposing syndrome. Last evaluated: 2025-01-02. Review status: criteria provided, single submitter. Criteria: Ambry Variant Classification Scheme 2023. Collection method: clinical testing. Allele origin: germline.